The following is an entry in ClinVar:

ClinVar aggregate classification (germline): Benign (1 of 4 stars; one submission).

Allele frequency attached by ClinVar (database versions not stated): 1000 Genomes Project 0.40435; TOPMed 0.42291; gnomAD 0.42712 and 0.42990.

Submission:

GeneDx
Classification: Benign. Last evaluated: 2018-06-16. Review status: criteria provided, single submitter. Criteria: GeneDx Variant Classification (06012015). Collection method: clinical testing. Allele origin: germline. Affected: yes.
Comment: This variant is considered likely benign or benign based on one or more of the following criteria: it is a conservative change, it occurs at a poorly conserved position in the protein, it is predicted to be benign by multiple in silico algorithms, and/or has population frequency not consistent with disease.

NM_144670.6(A2ML1):c.4153-206C>A

Gene: A2ML1 (alpha-2-macroglobulin like 1; plus strand). Cytogenetic location: 12p13.31.
Variant type: single nucleotide variant.
Coding change: c.4153-206C>A on transcript NM_144670.6 (MANE Select); 206 bases into the intron before coding-DNA position 4153, C replaced by A.
Molecular consequence: intron variant.
Genome position (GRCh38, 1-based): chr12:8,868,929, C>A. VCF-style: chr12-8868929-C-A. GRCh37 (hg19) VCF-style: chr12-9021525-C-A.
Other names: c.2680-206C>A (NM_001282424.3).
Identifiers: ClinVar variation 561566 (VCV000561566.1), dbSNP rs7970020, ClinGen allele CA15769002.